The following is an entry in ClinVar:

NM_001267550.2(TTN):c.50914_50918del (p.Leu16972fs)

Genes: TTN-AS1 (TTN antisense RNA 1; plus strand), TTN (titin; minus strand). Cytogenetic location: 2q31.2.
Variant type: Deletion.
Coding change: c.50914_50918del on transcript NM_001267550.2 (MANE Select); coding-DNA positions 50914 to 50918, 5 bases deleted (TTAAG; older notation c.50914_50918delTTAAG).
Protein change: p.Leu16972fs; shifts the reading frame from leucine 16972.
Molecular consequence: frameshift variant.
Genome position (GRCh38, 1-based): chr2:178,611,211-178,611,215, CTTAA deleted on the plus strand (TTAAG on the coding strand, the reverse complement: TTN is on the minus strand); deleting any 5 consecutive bases within chr2:178,611,211-178,611,218 gives the same sequence; the c. name uses the placement nearest the transcript's 3' end. VCF-style (leftmost placement, unchanged base first): chr2-178611210-GCTTAA-G. GRCh37 (hg19) VCF-style: chr2-179475937-GCTTAA-G.
Other names: c.45991_45995del, p.Leu15331fs (NM_001256850.1); c.23719_23723del, p.Leu7907fs (NM_003319.4); c.43210_43214del, p.Leu14404fs (NM_133378.4); c.24094_24098del, p.Leu8032fs (NM_133432.3); c.24295_24299del, p.Leu8099fs (NM_133437.4); c.23719_23723delTTAAG (NM_003319.4); short protein forms L14404fs, L15331fs, L16972fs, L7907fs, L8032fs, L8099fs.
Identifiers: ClinVar variation 1068072 (VCV001068072.11), dbSNP rs2056249919, ClinGen allele CA1310548055.

ClinVar aggregate classification (germline): Likely pathogenic. Review status: criteria provided, multiple submitters, no conflicts (2 of 4 stars). 2 submissions from 2 submitters: Likely pathogenic (2). Last evaluated 2021-09-22.

Conditions:
Dilated cardiomyopathy 1G (CMD1G). Identifiers: Orphanet 154, MedGen C1858763, MONDO:0011400, OMIM 604145.
Autosomal recessive limb-girdle muscular dystrophy type 2J (LGMDR10). Also called: Limb-girdle muscular dystrophy, type 2J; MUSCULAR DYSTROPHY, LIMB-GIRDLE, AUTOSOMAL RECESSIVE 10. Identifiers: Orphanet 140922, MedGen C1837342, MONDO:0012127, OMIM 608807.

Submissions (2):

Genetics and Molecular Pathology, SA Pathology
Classification: Likely pathogenic for Dilated cardiomyopathy 1G. Last evaluated: 2021-09-22. Review status: criteria provided, single submitter. Criteria: ACMG Guidelines, 2015. Collection method: clinical testing. Allele origin: germline. Affected: yes.

Labcorp Genetics (formerly Invitae), Labcorp
Classification: Likely pathogenic for Dilated cardiomyopathy 1G; Autosomal recessive limb-girdle muscular dystrophy type 2J. Last evaluated: 2020-07-13. Review status: criteria provided, single submitter. Criteria: Invitae Variant Classification Sherloc (09022015). Collection method: clinical testing. Allele origin: germline.
Comment: In summary, the currently available evidence indicates that the variant is pathogenic, but additional data are needed to prove that conclusively. Therefore, this variant has been classified as Likely Pathogenic. This variant is located in the A band of TTN (PMID: 25589632). Truncating variants in this region are significantly overrepresented in patients affected with dilated cardiomyopathy (PMID: 25589632). Truncating variants in this region have also been reported in individuals affected with autosomal recessive centronuclear myopathy (PMID: 23975875). This variant has not been reported in the literature in individuals with TTN-related conditions. This variant is not present in population databases (ExAC no frequency). This sequence change results in a premature translational stop signal in the TTN gene (p.Leu16972Hisfs*14). While this is not anticipated to result in nonsense mediated decay, it is expected to create a truncated TTN protein.

Literature cited by the submitters: PubMed 25589632 (cited by Labcorp Genetics (formerly Invitae), Labcorp); PubMed 23975875 (cited by Labcorp Genetics (formerly Invitae), Labcorp).